The following is an entry in ClinVar:

NM_001013703.4(EIF2AK4):c.2521G>T (p.Glu841Ter)

Gene: EIF2AK4 (eukaryotic translation initiation factor 2 alpha kinase 4; plus strand). Cytogenetic location: 15q15.1.
Variant type: single nucleotide variant.
Coding change: c.2521G>T on transcript NM_001013703.4 (MANE Select); coding-DNA position 2521, G replaced by T.
Protein change: p.Glu841Ter; replaces glutamic acid 841 with a stop codon.
Molecular consequence: nonsense.
Genome position (GRCh38, 1-based): chr15:39,988,100, G>T. VCF-style: chr15-39988100-G-T. GRCh37 (hg19) VCF-style: chr15-40280301-G-T.
Other names: short protein forms E841*.
Identifiers: ClinVar variation 4776815 (VCV004776815.1).
Genomic context (GRCh38, chr15:39,988,100, plus strand): 5'-GACACCGTCAGACTCTGGAGGCTTTTTCGAGAGATTCTGGATGGATTAGCTTATATCCAT[G>T]AGAAAGTAAACTTTACAACATTTCATATCTGAAGACTTATGTTTACATAAATTTATGACT-3'

ClinVar aggregate classification (germline): Pathogenic (1 of 4 stars; one submission).

gnomAD v4.1: 2 of 1,613,908 alleles (0.00012%); highest among the groups gnomAD compares: African/African-American, 0.0027%; no homozygotes.

Submission:

Labcorp Genetics (formerly Invitae), Labcorp
Classification: Pathogenic. Last evaluated: 2025-06-13. Review status: criteria provided, single submitter. Criteria: Invitae Variant Classification Sherloc (09022015). Collection method: clinical testing. Allele origin: germline.
Comment: This sequence change creates a premature translational stop signal (p.Glu841*) in the EIF2AK4 gene. It is expected to result in an absent or disrupted protein product. Loss-of-function variants in EIF2AK4 are known to be pathogenic (PMID: 12215525, 24135949, 24292273, 24310610, 28972005, 29743074). This variant is present in population databases (no rsID available, gnomAD 0.01%). This variant has not been reported in the literature in individuals affected with EIF2AK4-related conditions. Algorithms developed to predict the effect of sequence changes on RNA splicing suggest that this variant may create or strengthen a splice site. For these reasons, this variant has been classified as Pathogenic.

Literature cited by the submitters: PubMed 12215525; PubMed 24135949; PubMed 24292273; PubMed 24310610; PubMed 28972005; PubMed 29743074.